The following is an entry in ClinVar:

ClinVar aggregate classification (germline): Likely benign (1 of 4 stars; one submission).

Submission:

GeneDx
Classification: Likely benign. Last evaluated: 2015-10-07. Review status: criteria provided, single submitter. Criteria: GeneDx Variant Classification (06012015). Collection method: clinical testing. Allele origin: germline. Affected: yes.
Comment: This variant is considered likely benign or benign based on one or more of the following criteria: it is a conservative change, it occurs at a poorly conserved position in the protein, it is predicted to be benign by multiple in silico algorithms, and/or has population frequency not consistent with disease.

NM_000071.3(CBS):c.-9+14G>A

Gene: CBS (cystathionine beta-synthase; minus strand). Cytogenetic location: 21q22.3.
Variant type: single nucleotide variant.
Coding change: c.-9+14G>A on transcript NM_000071.3 (MANE Select); 14 bases into the intron after 9 bases upstream of the start codon, G replaced by A.
Molecular consequence: intron variant.
Genome position (GRCh38, 1-based): chr21:43,073,252, C>T on the plus strand (G>A on the coding strand, the complement: CBS is on the minus strand). VCF-style: chr21-43073252-C-T. GRCh37 (hg19) VCF-style: chr21-44493362-C-T.
Other names: c.-9+14G>A (NM_001320298.2, NM_001178009.3, NM_001178008.3).
Identifiers: ClinVar variation 380734 (VCV000380734.1), dbSNP rs927172505, ClinGen allele CA16609068.